The following is an entry in ClinVar:

ClinVar aggregate classification (germline): Pathogenic (1 of 4 stars; one submission).

Conditions:
Duchenne muscular dystrophy (DMD). Also called: MUSCULAR DYSTROPHY, PSEUDOHYPERTROPHIC PROGRESSIVE, DUCHENNE TYPE; Duchenne Muscular Dystrophy (DMD). Identifiers: Orphanet 98896, MedGen C0013264, MONDO:0010679, OMIM 310200.

Submission:

Labcorp Genetics (formerly Invitae), Labcorp
Classification: Pathogenic for Duchenne muscular dystrophy. Last evaluated: 2020-09-28. Review status: criteria provided, single submitter. Criteria: Invitae Variant Classification Sherloc (09022015). Collection method: clinical testing. Allele origin: germline.
Comment: For these reasons, this variant has been classified as Pathogenic. Loss-of-function variants in DMD are known to be pathogenic (PMID: 16770791, 25007885). This variant has been observed in individual(s) with DMD-related conditions (PMID: 17380674, 24928015). In at least one individual the variant was observed to be de novo. This variant is an out-of-frame deletion of the genomic region encompassing exon(s) 22-25 of the DMD gene. This is expected to create a premature translational stop signal and result in an absent or disrupted protein product.

Literature cited by the submitters: PubMed 16770791; PubMed 25007885; PubMed 17380674; PubMed 24928015.

NC_000023.10:g.(?_32479316)_(32490436_?)del

Gene: DMD (dystrophin; minus strand). Cytogenetic location: Xp21.1.
Variant type: Deletion.
Identifiers: ClinVar variation 1069570 (VCV001069570.8).